The following is an entry in ClinVar:

ClinVar aggregate classification (germline): Uncertain significance (1 of 4 stars; one submission).

Conditions:
Pyruvate dehydrogenase E2 deficiency (PDHDD). Also called: Dihydrolipoamide Acetyltransferase (E2) Deficiency; LACTIC ACIDEMIA DUE TO DEFECT OF E2 LIPOYL TRANSACETYLASE OF THE PYRUVATE DEHYDROGENASE COMPLEX. Identifiers: Orphanet 765, Orphanet 79244, MedGen C1855565, MONDO:0009502, OMIM 245348.

Submission:

Labcorp Genetics (formerly Invitae), Labcorp
Classification: Uncertain significance for Pyruvate dehydrogenase E2 deficiency. Last evaluated: 2022-07-19. Review status: criteria provided, single submitter. Criteria: Invitae Variant Classification Sherloc (09022015). Collection method: clinical testing. Allele origin: germline.
Comment: This variant results in a copy number gain of the genomic region encompassing exon(s) 1-11 of the DLAT gene. This region includes the initiator codon of the gene. This copy number gain extends beyond the assayed region for this gene and therefore may encompass additional genes. As the precise location of this event is unknown, it may be in tandem or it may be located elsewhere in the genome. In summary, the available evidence is currently insufficient to determine the role of this variant in disease. Therefore, it has been classified as a Variant of Uncertain Significance. This variant has not been reported in the literature in individuals affected with DLAT-related conditions.

NC_000011.9:g.(?_111896197)_(111922093_?)dup

Gene: DLAT (dihydrolipoamide S-acetyltransferase; plus strand). Cytogenetic location: 11q23.1.
Variant type: Duplication.
Identifiers: ClinVar variation 1462475 (VCV001462475.5).